The following is an entry in ClinVar:

NM_001283009.2(RTEL1):c.1581C>T (p.Ser527=)

Genes: RTEL1 (regulator of telomere elongation helicase 1; plus strand), RTEL1-TNFRSF6B (RTEL1-TNFRSF6B readthrough (NMD candidate); plus strand). Cytogenetic location: 20q13.33.
Variant type: single nucleotide variant.
Coding change: c.1581C>T on transcript NM_001283009.2 (MANE Select); coding-DNA position 1581, C replaced by T.
Protein change: p.Ser527=; no amino-acid change (serine 527 retained).
Molecular consequence: synonymous variant. On other transcripts: non-coding transcript variant (1).
Genome position (GRCh38, 1-based): chr20:63,688,036, C>T. VCF-style: chr20-63688036-C-T. GRCh37 (hg19) VCF-style: chr20-62319389-C-T.
Other names: c.912C>T, p.Ser304= (NM_001283010.1); c.1581C>T, p.Ser527= (NM_016434.4); c.1653C>T, p.Ser551= (NM_032957.5).
Identifiers: ClinVar variation 732523 (VCV000732523.17), dbSNP rs78258482, ClinGen allele CA9964842.
Genomic context (GRCh38, chr20:63,688,036, plus strand): 5'-CAAGCACCAGATCTGGGTGGGGGTCGTCCCCAGAGGCCCCGATGGAGCCCAGTTGAGCTC[C>T]GCGTTTGACAGACGGTGAGGGCCTGTCCCTGGGCCCTGCTGGGGTGGGAGGTGGGGGAGC-3'
Protein context (NP_001269938.1, residues 517-537): PRGPDGAQLS[Ser527=]AFDRRFSEEC

ClinVar aggregate classification (germline): Likely benign. Review status: criteria provided, multiple submitters, no conflicts (2 of 4 stars). 6 submissions from 6 submitters: Likely benign (4). 2 of the submissions do not count toward it. Last evaluated 2025-10-13.

Conditions:
RTEL1-related disorder. Also called: RTEL1-related condition; RTEL1-related disorders.
Inborn genetic diseases. Identifiers: MedGen C0950123, MeSH D030342.
Dyskeratosis congenita. Identifiers: Orphanet 1775, MedGen C0265965, MONDO:0015780.
Dyskeratosis congenita, autosomal recessive 5 (DKCB5). Identifiers: MedGen C3554656, MONDO:0014076, OMIM 615190.
Pulmonary fibrosis and/or bone marrow failure, Telomere-related, 3. Also called: PULMONARY FIBROSIS AND/OR BONE MARROW FAILURE SYNDROME, TELOMERE-RELATED, 3. Identifiers: Orphanet 2032, MedGen C4225346, MONDO:0014613, OMIM 616373.

Allele frequency attached by ClinVar (database versions not stated): gnomAD exomes 0.00007 and 0.00018; ESP Exome Variant Server 0.00015; ExAC 0.00017; gnomAD 0.00020 and 0.00023; TOPMed 0.00024; 1000 Genomes Project 30x 0.00047; 1000 Genomes Project 0.00060.
gnomAD v4.1: 133 of 1,612,722 alleles (0.0082%); highest among the groups gnomAD compares: East Asian, 0.15%; no homozygotes.

Submissions (6):

Labcorp Genetics (formerly Invitae), Labcorp
Classification: Likely benign for Dyskeratosis congenita, autosomal recessive 5; Pulmonary fibrosis and/or bone marrow failure, Telomere-related, 3. Last evaluated: 2025-10-13. Review status: criteria provided, single submitter. Criteria: Invitae Variant Classification Sherloc (09022015). Collection method: clinical testing. Allele origin: germline.

Ambry Genetics
Classification: Likely benign for Inborn genetic diseases. Last evaluated: 2024-10-02. Review status: criteria provided, single submitter. Criteria: Ambry Variant Classification Scheme 2023. Collection method: clinical testing. Allele origin: germline.

Blueprint Genetics
Classification: Likely benign. Last evaluated: 2024-08-02. Review status: criteria provided, single submitter. Criteria: ACMG Guidelines, 2015. Collection method: clinical testing. Allele origin: germline.

Sema4
Classification: Likely benign for Dyskeratosis congenita. Last evaluated: 2022-02-05. Review status: criteria provided, single submitter. Criteria: Sema4 Curation Guidelines. Collection method: curation. Allele origin: germline.

PreventionGenetics, part of Exact Sciences
Classification: Likely benign for RTEL1-related condition. Last evaluated: 2020-01-08. Review status: no assertion criteria provided. Collection method: clinical testing. Allele origin: germline. Not counted in ClinVar's aggregate classification.
Comment: This variant is classified as likely benign based on ACMG/AMP sequence variant interpretation guidelines (Richards et al. 2015 PMID: 25741868, with internal and published modifications).

Natera, Inc.
Classification: Uncertain significance for Dyskeratosis congenita. Last evaluated: 2019-12-09. Review status: no assertion criteria provided. Collection method: clinical testing. Allele origin: germline. Not counted in ClinVar's aggregate classification.